The following is an entry in ClinVar:

ClinVar aggregate classification (germline): Likely pathogenic (0 of 4 stars; one submission).

Conditions:
Acute myeloid leukemia (AML). Also called: Acute myeloid leukemia, adult; AML adult; Acute non-lymphocytic leukemia; Acute granulocytic leukemia; Leukemia, acute myelogenous, somatic; Leukemia, acute myeloid, somatic. Identifiers: Orphanet 519, MedGen C0023467, MeSH D015470, MONDO:0018874, OMIM 601626, HP:0004808. Disease mechanism: Constitutively activated FLT3.

Submission:

Bone Marrow Failure laboratory, Queen Mary University London
Classification: Likely pathogenic for Acute myeloid leukemia. Last evaluated: 2021-01-20. Review status: no assertion criteria provided. Collection method: research. Allele origin: unknown. Affected: yes.

Literature cited by the submitters: PubMed 32098966.

Single allele

Gene: RUNX1 (RUNX family transcription factor 1; minus strand). Cytogenetic location: 21q22.12.
Variant type: Deletion.
Identifiers: ClinVar variation 1013623 (VCV001013623.2).